The following is an entry in ClinVar:

ClinVar aggregate classification (germline): Likely benign. Review status: criteria provided, multiple submitters, no conflicts (2 of 4 stars). 2 submissions from 2 submitters: Likely benign (2). Last evaluated 2025-08-29.

Allele frequency attached by ClinVar (database versions not stated): gnomAD exomes 0.00005; TOPMed 0.00006; gnomAD 0.00007; ESP Exome Variant Server 0.00008; ExAC 0.00037.
gnomAD v4.1: 110 of 1,613,722 alleles (0.0068%); highest among the groups gnomAD compares: Middle Eastern, 0.016%; no homozygotes.

Submissions (2):

Labcorp Genetics (formerly Invitae), Labcorp
Classification: Likely benign. Last evaluated: 2025-08-29. Review status: criteria provided, single submitter. Criteria: Invitae Variant Classification Sherloc (09022015). Collection method: clinical testing. Allele origin: germline.

CeGaT Center for Human Genetics Tuebingen
Classification: Likely benign. Last evaluated: 2023-12-01. Review status: criteria provided, single submitter. Criteria: CeGaT Center For Human Genetics Tuebingen Variant Classification Criteria Version 2. Collection method: clinical testing. Allele origin: germline. Affected: yes. Observed: 1 variant allele.
Comment: ASXL1: BP4

NM_015338.6(ASXL1):c.472-4G>A

Gene: ASXL1 (ASXL transcriptional regulator 1; plus strand). Cytogenetic location: 20q11.21.
Variant type: single nucleotide variant.
Coding change: c.472-4G>A on transcript NM_015338.6 (MANE Select); 4 bases into the intron before coding-DNA position 472, G replaced by A.
Molecular consequence: intron variant.
Genome position (GRCh38, 1-based): chr20:32,429,334, G>A. VCF-style: chr20-32429334-G-A. GRCh37 (hg19) VCF-style: chr20-31017137-G-A.
Other names: c.442-4G>A (NM_001363734.1).
Identifiers: ClinVar variation 2052030 (VCV002052030.26), dbSNP rs370731960, ClinGen allele CA9808108.